The following is an entry in ClinVar:

ClinVar aggregate classification (germline): Uncertain significance (1 of 4 stars; one submission).

Conditions:
Leukoencephalopathy with brain stem and spinal cord involvement-high lactate syndrome (LBSL). Also called: Leukoencephalopathy with Brainstem and Spinal Cord Involvement and Lactate Elevation; MITOCHONDRIAL ASPARTYL-tRNA SYNTHETASE DEFICIENCY; LEUKOENCEPHALOPATHY WITH BRAINSTEM AND SPINAL CORD INVOLVEMENT AND LACTATE ELEVATION, MILD. Identifiers: Orphanet 137898, MedGen C1970180, MONDO:0012622, OMIM 611105.

Submission:

Broad Center for Mendelian Genomics, Broad Institute of MIT and Harvard
Classification: Uncertain significance for Leukoencephalopathy with brain stem and spinal cord involvement-high lactate syndrome. Last evaluated: 2025-01-22. Review status: criteria provided, single submitter. Criteria: ACMG Guidelines, 2015. Collection method: curation. Allele origin: germline. Inheritance: Autosomal recessive inheritance.
Comment: The p.Thr136Lys variant in DARS2 has been reported in 1 individual with leukoencephalopathy with brain stem and spinal cord involvement-high lactate syndrome (PMID: 33977142), and has been identified in 0.001% (1/91050) of South Asian chromosomes by the Genome Aggregation Database (gnomAD; dbSNP rs1358756435). Although this variant has been seen in the general population in a heterozygous state, its frequency is low enough to be consistent with a recessive carrier frequency. Computational prediction tools and conservation analyses suggest that this variant may impact the protein, though this information is not predictive enough to determine pathogenicity. In summary, the clinical significance of the p.Thr136Lys variant is uncertain. ACMG/AMP Criteria applied: PP3, PM2_supporting (Richards 2015).

NM_018122.5(DARS2):c.407C>A (p.Thr136Lys)

Gene: DARS2 (aspartyl-tRNA synthetase 2, mitochondrial; plus strand). Cytogenetic location: 1q25.1.
Variant type: single nucleotide variant.
Coding change: c.407C>A on transcript NM_018122.5 (MANE Select); coding-DNA position 407, C replaced by A.
Protein change: p.Thr136Lys; replaces threonine 136 with lysine.
Molecular consequence: missense variant.
Genome position (GRCh38, 1-based): chr1:173,831,545, C>A. VCF-style: chr1-173831545-C-A. GRCh37 (hg19) VCF-style: chr1-173800683-C-A.
Other names: NM_001365213.2:c.407C>A; c.407C>A, p.Thr136Lys (NM_001365212.1, NM_001365213.2); short protein forms T136K.
Identifiers: ClinVar variation 3776831 (VCV003776831.1).